The following is an entry in ClinVar:

NM_002661.5(PLCG2):c.1072C>T (p.Leu358=)

Gene: PLCG2 (phospholipase C gamma 2; plus strand). Cytogenetic location: 16q23.3.
Variant type: single nucleotide variant.
Coding change: c.1072C>T on transcript NM_002661.5 (MANE Select); coding-DNA position 1072, C replaced by T.
Protein change: p.Leu358=; no amino-acid change (leucine 358 retained).
Molecular consequence: synonymous variant.
Genome position (GRCh38, 1-based): chr16:81,893,794, C>T. VCF-style: chr16-81893794-C-T. GRCh37 (hg19) VCF-style: chr16-81927399-C-T.
Identifiers: ClinVar variation 472886 (VCV000472886.9), dbSNP rs377757324, ClinGen allele CA8193562.

ClinVar aggregate classification (germline): Uncertain significance (1 of 4 stars; one submission).

Conditions:
Familial cold autoinflammatory syndrome 3 (FCAS3). Also called: FAMILIAL ATYPICAL COLD URTICARIA; ANTIBODY DEFICIENCY AND IMMUNE DYSREGULATION, PLCG2-ASSOCIATED. Identifiers: Orphanet 300359, MedGen C3280914, MONDO:0013766, OMIM 614468.

Allele frequency attached by ClinVar (database versions not stated): gnomAD exomes 0.00002; ExAC 0.00004; gnomAD 0.00007; ESP Exome Variant Server 0.00008; TOPMed 0.00015.
gnomAD v4.1: 44 of 1,599,700 alleles (0.0028%); highest among the groups gnomAD compares: African/African-American, 0.02%; no homozygotes.

Submission:

Labcorp Genetics (formerly Invitae), Labcorp
Classification: Uncertain significance for Familial cold autoinflammatory syndrome 3. Last evaluated: 2026-01-29. Review status: criteria provided, single submitter. Criteria: Invitae Variant Classification Sherloc (09022015). Collection method: clinical testing. Allele origin: germline.
Comment: This sequence change affects codon 358 of the PLCG2 mRNA. It is a 'silent' change, meaning that it does not change the encoded amino acid sequence of the PLCG2 protein. It affects a nucleotide within the consensus splice site. This variant is present in population databases (rs377757324, gnomAD 0.03%). This variant has not been reported in the literature in individuals affected with PLCG2-related conditions. ClinVar contains an entry for this variant (Variation ID: 472886). Algorithms developed to predict the effect of sequence changes on RNA splicing suggest that this variant is not likely to affect RNA splicing. In summary, the available evidence is currently insufficient to determine the role of this variant in disease. Therefore, it has been classified as a Variant of Uncertain Significance.